The following is an entry in ClinVar:

NM_018192.4(P3H2):c.374C>T (p.Thr125Ile)

Gene: P3H2 (prolyl 3-hydroxylase 2; minus strand). Cytogenetic location: 3q28.
Variant type: single nucleotide variant.
Coding change: c.374C>T on transcript NM_018192.4 (MANE Select); coding-DNA position 374, C replaced by T.
Protein change: p.Thr125Ile; replaces threonine 125 with isoleucine.
Molecular consequence: missense variant. On other transcripts: intron variant (1).
Genome position (GRCh38, 1-based): chr3:190,120,358, G>A on the plus strand (C>T on the coding strand, the complement: P3H2 is on the minus strand). VCF-style: chr3-190120358-G-A. GRCh37 (hg19) VCF-style: chr3-189838147-G-A.
Other names: c.-64+1845C>T (NM_001134418.2); c.374C>T (NM_018192.3); short protein forms T125I.
Identifiers: ClinVar variation 2068580 (VCV002068580.5), dbSNP rs1215260525, ClinGen allele CA355859610.

ClinVar aggregate classification (germline): Uncertain significance. Review status: criteria provided, multiple submitters, no conflicts (2 of 4 stars). 2 submissions from 2 submitters: Uncertain significance (2). Last evaluated 2024-01-03.

Conditions:
Inborn genetic diseases. Identifiers: MedGen C0950123, MeSH D030342.

Submissions (2):

Ambry Genetics
Classification: Uncertain significance for Inborn genetic diseases. Last evaluated: 2024-01-03. Review status: criteria provided, single submitter. Criteria: Ambry Variant Classification Scheme 2023. Collection method: clinical testing. Allele origin: germline.

Labcorp Genetics (formerly Invitae), Labcorp
Classification: Uncertain significance. Last evaluated: 2022-07-17. Review status: criteria provided, single submitter. Criteria: Invitae Variant Classification Sherloc (09022015). Collection method: clinical testing. Allele origin: germline.
Comment: This variant has not been reported in the literature in individuals affected with P3H2-related conditions. This variant is not present in population databases (gnomAD no frequency). This sequence change replaces threonine, which is neutral and polar, with isoleucine, which is neutral and non-polar, at codon 125 of the P3H2 protein (p.Thr125Ile). Algorithms developed to predict the effect of missense changes on protein structure and function (SIFT, PolyPhen-2, Align-GVGD) all suggest that this variant is likely to be tolerated. In summary, the available evidence is currently insufficient to determine the role of this variant in disease. Therefore, it has been classified as a Variant of Uncertain Significance.